The following is an entry in ClinVar:

ClinVar aggregate classification (germline): Benign (0 of 4 stars; one submission).

Conditions:
ZNF142-related disorder. Also called: ZNF142-related condition.

Allele frequency attached by ClinVar (database versions not stated): 1000 Genomes Project 0.01338; TOPMed 0.01412; ESP Exome Variant Server 0.01334; 1000 Genomes Project 30x 0.01405; gnomAD exomes 0.00116; ExAC 0.00377; gnomAD 0.01254.
gnomAD v4.1: 3,654 of 1,614,212 alleles (0.23%); highest among the groups gnomAD compares: African/African-American, 4.3%; 83 homozygotes.

Submission:

PreventionGenetics, part of Exact Sciences
Classification: Benign for ZNF142-related condition. Last evaluated: 2024-03-29. Review status: no assertion criteria provided. Collection method: clinical testing. Allele origin: germline.
Comment: This variant is classified as benign based on ACMG/AMP sequence variant interpretation guidelines (Richards et al. 2015 PMID: 25741868, with internal and published modifications).

NM_001379659.1(ZNF142):c.1021A>C (p.Lys341Gln)

Gene: ZNF142 (zinc finger protein 142; minus strand). Cytogenetic location: 2q35.
Variant type: single nucleotide variant.
Coding change: c.1021A>C on transcript NM_001379659.1 (MANE Select); coding-DNA position 1021, A replaced by C.
Protein change: p.Lys341Gln; replaces lysine 341 with glutamine.
Molecular consequence: missense variant.
Genome position (GRCh38, 1-based): chr2:218,650,386, T>G on the plus strand (A>C on the coding strand, the complement: ZNF142 is on the minus strand). VCF-style: chr2-218650386-T-G. GRCh37 (hg19) VCF-style: chr2-219515109-T-G.
Other names: c.421A>C, p.Lys141Gln (NM_001105537.5, NM_001366291.3, NM_001379662.1); c.-69A>C (NM_001366287.3, NM_001366288.3, NM_001366289.3); c.1021A>C, p.Lys341Gln (NM_001366290.3, NM_001379660.1, NM_001379661.1); short protein forms K141Q, K341Q.
Identifiers: ClinVar variation 3056705 (VCV003056705.2), dbSNP rs61733648, ClinGen allele CA2109451.